The following is an entry in ClinVar:

NM_002732.4(PRKACG):c.17C>A (p.Ala6Asp)

Gene: PRKACG (protein kinase cAMP-activated catalytic subunit gamma; minus strand). Cytogenetic location: 9q21.11.
Variant type: single nucleotide variant.
Coding change: c.17C>A on transcript NM_002732.4 (MANE Select); coding-DNA position 17, C replaced by A.
Protein change: p.Ala6Asp; replaces alanine 6 with aspartic acid.
Molecular consequence: missense variant.
Genome position (GRCh38, 1-based): chr9:69,014,076, G>T on the plus strand (C>A on the coding strand, the complement: PRKACG is on the minus strand). VCF-style: chr9-69014076-G-T. GRCh37 (hg19) VCF-style: chr9-71628992-G-T.
Other names: p.Ala6Asp; short protein forms A6D.
Identifiers: ClinVar variation 2388929 (VCV002388929.3), dbSNP rs376702603, ClinGen allele CA193350624.

ClinVar aggregate classification (germline): Uncertain significance. Review status: criteria provided, multiple submitters, no conflicts (2 of 4 stars). 2 submissions from 2 submitters: Uncertain significance (2). Last evaluated 2024-11-15.

Allele frequency attached by ClinVar (database versions not stated): ESP Exome Variant Server 0.00008; TOPMed 0.00005.
gnomAD v4.1: 49 of 1,603,180 alleles (0.0031%); highest among the groups gnomAD compares: Non-Finnish European, 0.004%; no homozygotes.

Submissions (2):

Mayo Clinic Laboratories, Mayo Clinic
Classification: Uncertain significance. Last evaluated: 2024-11-15. Review status: criteria provided, single submitter. Criteria: ACMG Guidelines, 2015. Collection method: clinical testing. Allele origin: germline. Observed: 1 variant allele.
Comment: BP4

Ambry Genetics
Classification: Uncertain significance. Last evaluated: 2022-12-13. Review status: criteria provided, single submitter. Criteria: Ambry Variant Classification Scheme 2023. Collection method: clinical testing. Allele origin: germline.